The following is an entry in ClinVar:

NM_012414.4(RAB3GAP2):c.449G>A (p.Arg150His)

Gene: RAB3GAP2 (RAB3 GTPase activating non-catalytic protein subunit 2; minus strand). Cytogenetic location: 1q41.
Variant type: single nucleotide variant.
Coding change: c.449G>A on transcript NM_012414.4 (MANE Select); coding-DNA position 449, G replaced by A.
Protein change: p.Arg150His; replaces arginine 150 with histidine.
Molecular consequence: missense variant.
Genome position (GRCh38, 1-based): chr1:220,210,862, C>T on the plus strand (G>A on the coding strand, the complement: RAB3GAP2 is on the minus strand). VCF-style: chr1-220210862-C-T. GRCh37 (hg19) VCF-style: chr1-220384204-C-T.
Other names: short protein forms R150H.
Identifiers: ClinVar variation 3234473 (VCV003234473.21), dbSNP rs140245111, ClinGen allele CA1403012.
Genomic context (GRCh38, chr1:220,210,862, plus strand): 5'-TCAGTGTAGAAGCGTACATAACCTGAAGTAAAACCCACCACAATGCAGGTCCAGTCAGGA[C>T]GCCCAGTGGAACTCCTGTTACAAACAAAATTTATTATCTTAACAACTCATAAATCAAAGC-3'
Protein context (NP_036546.2, residues 140-160): LASQKRSSTG[Arg150His]PDWTCIVVGF

ClinVar aggregate classification (germline): Uncertain significance. Review status: criteria provided, multiple submitters, no conflicts (2 of 4 stars). 2 submissions from 2 submitters: Uncertain significance (2). Last evaluated 2024-04-01.

Allele frequency attached by ClinVar (database versions not stated): gnomAD exomes 0.00001; gnomAD 0.00003; ExAC 0.00004; TOPMed 0.00006; ESP Exome Variant Server 0.00015.
gnomAD v4.1: 26 of 1,613,702 alleles (0.0016%); highest among the groups gnomAD compares: African/African-American, 0.011%; no homozygotes.

Submissions (2):

CeGaT Center for Human Genetics Tuebingen
Classification: Uncertain significance. Last evaluated: 2024-04-01. Review status: criteria provided, single submitter. Criteria: CeGaT Center For Human Genetics Tuebingen Variant Classification Criteria Version 2. Collection method: clinical testing. Allele origin: germline. Affected: yes. Observed: 1 variant allele.
Comment: RAB3GAP2: PM2

Blueprint Genetics
Classification: Uncertain significance. Last evaluated: 2023-10-19. Review status: criteria provided, single submitter. Criteria: ACMG Guidelines, 2015. Collection method: clinical testing. Allele origin: germline.